The following is an entry in ClinVar:

ClinVar aggregate classification (germline): Uncertain significance (1 of 4 stars; one submission).

Conditions:
Duane-radial ray syndrome (DRRS). Also called: DR SYNDROME; DUANE ANOMALY WITH RADIAL RAY ABNORMALITIES AND DEAFNESS; Duane-Radial Ray Syndrome/Okihiro Syndrome; ACRORENOOCULAR SYNDROME; Okihiro Syndrome; Duane-Radial Ray Syndrome (DRRS) / Okihiro Syndrome. Identifiers: Orphanet 93293, Orphanet 959, MedGen C1623209, MONDO:0011812, OMIM 607323. Disease mechanism: gain of function.

gnomAD v4.1: 3 of 1,614,198 alleles (0.00019%); highest among the groups gnomAD compares: Non-Finnish European, 0.00025%; no homozygotes.

Submission:

Labcorp Genetics (formerly Invitae), Labcorp
Classification: Uncertain significance for Duane-radial ray syndrome. Last evaluated: 2024-05-02. Review status: criteria provided, single submitter. Criteria: Invitae Variant Classification Sherloc (09022015). Collection method: clinical testing. Allele origin: germline.
Comment: This sequence change replaces serine, which is neutral and polar, with phenylalanine, which is neutral and non-polar, at codon 1014 of the SALL4 protein (p.Ser1014Phe). This variant is not present in population databases (gnomAD no frequency). This variant has not been reported in the literature in individuals affected with SALL4-related conditions. An algorithm developed to predict the effect of missense changes on protein structure and function (PolyPhen-2) suggests that this variant is likely to be disruptive. In summary, the available evidence is currently insufficient to determine the role of this variant in disease. Therefore, it has been classified as a Variant of Uncertain Significance.

NM_020436.5(SALL4):c.3041C>T (p.Ser1014Phe)

Gene: SALL4 (spalt like transcription factor 4; minus strand). Cytogenetic location: 20q13.2.
Variant type: single nucleotide variant.
Coding change: c.3041C>T on transcript NM_020436.5 (MANE Select); coding-DNA position 3041, C replaced by T.
Protein change: p.Ser1014Phe; replaces serine 1014 with phenylalanine.
Molecular consequence: missense variant.
Genome position (GRCh38, 1-based): chr20:51,784,386, G>A on the plus strand (C>T on the coding strand, the complement: SALL4 is on the minus strand). VCF-style: chr20-51784386-G-A. GRCh37 (hg19) VCF-style: chr20-50400925-G-A.
Other names: c.1730C>T, p.Ser577Phe (NM_001318031.2); short protein forms S577F, S1014F.
Identifiers: ClinVar variation 3632880 (VCV003632880.2).
Genomic context (GRCh38, chr20:51,784,386, plus strand): 5'-TCAGTAGCACTTGGTTTTTCCACATCTGCACTGATACCCGACTGGGAGCCATCCATCTTG[G>A]AGACAGTGGCGTTATTCACAACGGAGGTGGCCCCCAAGGAAACCGGGAGGGTAGGAACCC-3'
Protein context (NP_065169.1, residues 1004-1024): ATSVVNNATV[Ser1014Phe]KMDGSQSGIS